The following is an entry in ClinVar:

NM_006073.4(TRDN):c.214G>A (p.Asp72Asn)

Gene: TRDN (triadin; minus strand). Cytogenetic location: 6q22.31.
Variant type: single nucleotide variant.
Coding change: c.214G>A on transcript NM_006073.4 (MANE Select); coding-DNA position 214, G replaced by A.
Protein change: p.Asp72Asn; replaces aspartic acid 72 with asparagine.
Molecular consequence: missense variant.
Genome position (GRCh38, 1-based): chr6:123,570,941, C>T on the plus strand (G>A on the coding strand, the complement: TRDN is on the minus strand). VCF-style: chr6-123570941-C-T. GRCh37 (hg19) VCF-style: chr6-123892086-C-T.
Other names: c.214G>A, p.Asp72Asn (NM_001251987.2, NM_001256020.2, NM_001256021.2 and 1 more transcripts); short protein forms D72N.
Identifiers: ClinVar variation 834454 (VCV000834454.11), dbSNP rs919863113, ClinGen allele CA365569055.

ClinVar aggregate classification (germline): Uncertain significance. Review status: criteria provided, multiple submitters, no conflicts (2 of 4 stars). 2 submissions from 2 submitters: Uncertain significance (2). Last evaluated 2021-08-04.

Conditions:
Cardiovascular phenotype. Identifiers: MedGen CN230736.
Catecholaminergic polymorphic ventricular tachycardia 1. Also called: VENTRICULAR TACHYCARDIA, CATECHOLAMINERGIC POLYMORPHIC, 1, WITH OR WITHOUT ATRIAL DYSFUNCTION AND/OR DILATED CARDIOMYOPATHY; RYR2-Related Catecholaminergic Polymorphic Ventricular Tachycardia; VENTRICULAR TACHYCARDIA, STRESS-INDUCED POLYMORPHIC 1. Identifiers: Orphanet 3286, MedGen C1631597, MONDO:0011484, OMIM 604772.

Allele frequency attached by ClinVar (database versions not stated): gnomAD exomes below 0.00001.
gnomAD v4.1: 1 of 1,613,720 alleles (0.000062%); highest among the groups gnomAD compares: Non-Finnish European, 0.000085%; no homozygotes.

Submissions (2):

Ambry Genetics
Classification: Uncertain significance for Cardiovascular phenotype. Last evaluated: 2021-08-04. Review status: criteria provided, single submitter. Criteria: Ambry Variant Classification Scheme 2023. Collection method: clinical testing. Allele origin: germline.
Comment: The p.D72N variant (also known as c.214G>A), located in coding exon 2 of the TRDN gene, results from a G to A substitution at nucleotide position 214. The aspartic acid at codon 72 is replaced by asparagine, an amino acid with highly similar properties. This amino acid position is conserved. In addition, the in silico prediction for this alteration is inconclusive. Since supporting evidence is limited at this time, the clinical significance of this alteration remains unclear.

Labcorp Genetics (formerly Invitae), Labcorp
Classification: Uncertain significance for Catecholaminergic polymorphic ventricular tachycardia 1. Last evaluated: 2019-03-07. Review status: criteria provided, single submitter. Criteria: Invitae Variant Classification Sherloc (09022015). Collection method: clinical testing. Allele origin: germline.
Comment: In summary, the available evidence is currently insufficient to determine the role of this variant in disease. Therefore, it has been classified as a Variant of Uncertain Significance. Algorithms developed to predict the effect of missense changes on protein structure and function are either unavailable or do not agree on the potential impact of this missense change (SIFT: "Deleterious"; PolyPhen-2: "Not Available"; Align-GVGD: "Class C0"). This variant has not been reported in the literature in individuals with TRDN-related conditions. This variant is not present in population databases (ExAC no frequency). This sequence change replaces aspartic acid with asparagine at codon 72 of the TRDN protein (p.Asp72Asn). The aspartic acid residue is moderately conserved and there is a small physicochemical difference between aspartic acid and asparagine.